The following is an entry in ClinVar:

ClinVar aggregate classification (germline): Uncertain significance (1 of 4 stars; one submission).

Submission:

GeneDx
Classification: Uncertain significance. Last evaluated: 2024-04-20. Review status: criteria provided, single submitter. Criteria: GeneDx Variant Classification Process June 2021. Collection method: clinical testing. Allele origin: germline. Affected: yes.
Comment: Has not been previously published as pathogenic or benign to our knowledge; Not observed at significant frequency in large population cohorts (gnomAD); In silico analysis supports that this missense variant has a deleterious effect on protein structure/function

NM_138694.4(PKHD1):c.1375C>G (p.His459Asp)

Gene: PKHD1 (PKHD1 ciliary IPT domain containing fibrocystin/polyductin; minus strand). Cytogenetic location: 6p12.2.
Variant type: single nucleotide variant.
Coding change: c.1375C>G on transcript NM_138694.4 (MANE Select); coding-DNA position 1375, C replaced by G.
Protein change: p.His459Asp; replaces histidine 459 with aspartic acid.
Molecular consequence: missense variant.
Genome position (GRCh38, 1-based): chr6:52,058,460, G>C on the plus strand (C>G on the coding strand, the complement: PKHD1 is on the minus strand). VCF-style: chr6-52058460-G-C. GRCh37 (hg19) VCF-style: chr6-51923258-G-C.
Other names: c.1375C>G, p.His459Asp (NM_170724.3); short protein forms H459D.
Identifiers: ClinVar variation 3372682 (VCV003372682.1).